The following is an entry in ClinVar:

NM_003242.6(TGFBR2):c.-249T>G

Gene: TGFBR2 (transforming growth factor beta receptor 2; plus strand). Cytogenetic location: 3p24.1.
Variant type: single nucleotide variant.
Coding change: c.-249T>G on transcript NM_003242.6 (MANE Select); 249 bases upstream of the start codon, T replaced by G.
Molecular consequence: 5 prime UTR variant.
Genome position (GRCh38, 1-based): chr3:30,606,635, T>G. VCF-style: chr3-30606635-T-G. GRCh37 (hg19) VCF-style: chr3-30648127-T-G.
Other names: c.-249T>G (NM_001024847.3, NM_001407126.1, NM_001407127.1 and 4 more transcripts); c.-532T>G (NM_001407133.1); c.-410T>G (NM_001407134.1); c.-457T>G (NM_001407135.1); c.-542T>G (NM_001407136.1).
Identifiers: ClinVar variation 344650 (VCV000344650.8), dbSNP rs886058299, ClinGen allele CA10618390.
Genomic context (GRCh38, chr3:30,606,635, plus strand): 5'-AGCGCTGAGTTGAAGTTGAGTGAGTCACTCGCGCGCACGGAGCGACGACACCCCCGCGCG[T>G]GCACCCGCTCGGGACAGGAGCCGGACTCCTGTGCAGCTTCCCTCGGCCGCCGGGGGCCTC-3'

ClinVar aggregate classification (germline): Uncertain significance/Uncertain risk allele. Review status: criteria provided, multiple submitters, no conflicts (2 of 4 stars). 2 submissions from 2 submitters: Uncertain significance (1); Uncertain risk allele (1). Last evaluated 2018-01-12.

Conditions:
Diabetic retinopathy. Identifiers: MedGen C0011884, MONDO:0005266.
Loeys-Dietz syndrome 2 (LDS2). Also called: TGFBR2-Related Loeys-Dietz Syndrome; AORTIC ANEURYSM, FAMILIAL THORACIC 3; MARFAN SYNDROME, TYPE II; Marfan Syndrome type 2; Marfan like connective tissue disorder; MFS 2. Identifiers: Orphanet 284973, Orphanet 558, MedGen C2674574, MONDO:0012427, OMIM 610168.

Submissions (2):

Illumina Laboratory Services, Illumina
Classification: Uncertain significance for Loeys-Dietz syndrome 2. Last evaluated: 2018-01-12. Review status: criteria provided, single submitter. Criteria: ICSL Variant Classification Criteria 13 December 2019. Collection method: clinical testing. Allele origin: germline.

Clinical Genomics, Uppaluri K&H Personalized Medicine Clinic
Classification: Uncertain risk allele for Diabetic retinopathy. Review status: criteria provided, single submitter. Criteria: K And H Uppaluri Personalized Medicine Clinic Variant Classification And Assertion Criteria Updated V 2. Collection method: research. Allele origin: unknown.
Comment: Potent mutations in TGFBR2 gene encodes the transforming growth factor that have been associated with angiogenesis and diabetic retinopathy. More clinical studies are needed for stronger association. However, more evidence is required to confer the association of this particular variant rs886058299 with diabetic retinopathy.

Literature cited by the submitters: PubMed 30222965 (cited by Clinical Genomics, Uppaluri K&H Personalized Medicine Clinic); PubMed 28162229 (cited by Clinical Genomics, Uppaluri K&H Personalized Medicine Clinic); PubMed 34572573 (cited by Clinical Genomics, Uppaluri K&H Personalized Medicine Clinic).